The following is an entry in ClinVar:

ClinVar aggregate classification (germline): Pathogenic. Review status: reviewed by expert panel (3 of 4 stars). 3 submissions from 3 submitters: Pathogenic (1). 2 of the submissions do not count toward it. Last evaluated 2016-09-08.

Conditions:
Hereditary breast ovarian cancer syndrome. Also called: Breast and ovarian cancer; Hereditary breast and ovarian cancer syndrome; Hereditary breast and ovarian cancer; BRCA1- and BRCA2-Associated Hereditary Breast and Ovarian Cancer; Hereditary breast and ovarian cancer syndrome (HBOC); Hereditary breast and/or ovarian cancer syndrome. Identifiers: Orphanet 145, MedGen C0677776, MeSH D061325, MONDO:0003582. Disease mechanism: loss of function.
Breast-ovarian cancer, familial, susceptibility to, 2 (BROVCA2). Also called: BRCA2 Hereditary Breast and Ovarian Cancer. Identifiers: Orphanet 145, MedGen C2675520, MONDO:0012933, OMIM 612555. Disease mechanism: loss of function.

Submissions (3):

Evidence-based Network for the Interpretation of Germline Mutant Alleles (ENIGMA)
Classification: Pathogenic for Breast-ovarian cancer, familial, susceptibility to, 2. Last evaluated: 2016-09-08. Review status: reviewed by expert panel. Criteria: ENIGMA BRCA1/2 Classification Criteria (2015). Collection method: curation. Allele origin: germline.
Comment: Variant allele predicted to encode a truncated non-functional protein.

Labcorp Genetics (formerly Invitae), Labcorp
Classification: Pathogenic for Hereditary breast ovarian cancer syndrome. Last evaluated: 2022-02-06. Review status: criteria provided, single submitter. Criteria: Invitae Variant Classification Sherloc (09022015). Collection method: clinical testing. Allele origin: germline. Not counted in ClinVar's aggregate classification.
Comment: For these reasons, this variant has been classified as Pathogenic. ClinVar contains an entry for this variant (Variation ID: 182320). This premature translational stop signal has been observed in individual(s) with breast cancer (PMID: 26681312). This variant is not present in population databases (gnomAD no frequency). This sequence change creates a premature translational stop signal (p.Gln2530Lysfs*21) in the BRCA2 gene. It is expected to result in an absent or disrupted protein product. Loss-of-function variants in BRCA2 are known to be pathogenic (PMID: 20104584).

GeneDx
Classification: Pathogenic. Last evaluated: 2014-07-01. Review status: criteria provided, single submitter. Criteria: GeneDx Variant Classification (06012015). Collection method: clinical testing. Allele origin: germline. Affected: yes. Not counted in ClinVar's aggregate classification.
Comment: This deletion of one nucleotide is denoted BRCA2 c.7588delC at the cDNA level and p.Gln2530LysfsX21 (Q2530KfsX21) at the protein level. The normal sequence, with the base that is deleted in brackets, is AGGC[C]AAGT. The deletion causes a frameshift, which changes a Glutamine to a Lysine at codon 2530, and creates a premature stop codon at position 21 of the new reading frame. Although this variant has not, to our knowledge, been reported in the literature, it is predicted to cause loss of normal protein function through either protein truncation or nonsense-mediated mRNA decay. we consider this variant to be pathogenic.

Literature cited by the submitters: PubMed 26681312 (cited by Labcorp Genetics (formerly Invitae), Labcorp); PubMed 20104584 (cited by Labcorp Genetics (formerly Invitae), Labcorp).

NM_000059.4(BRCA2):c.7588del (p.Gln2530fs)

Gene: BRCA2 (BRCA2 DNA repair associated; plus strand). Cytogenetic location: 13q13.1.
Variant type: Deletion.
Coding change: c.7588del on transcript NM_000059.4 (MANE Select); coding-DNA position 7588, one base deleted (C; older notation c.7588delC).
Protein change: p.Gln2530fs; shifts the reading frame from glutamine 2530.
Molecular consequence: frameshift variant.
Genome position (GRCh38, 1-based): chr13:32,356,580, C deleted; the last of 2 consecutive C bases (chr13:32,356,579-32,356,580); deleting either gives the same sequence. VCF-style (leftmost placement, unchanged base first): chr13-32356578-GC-G. GRCh37 (hg19) VCF-style: chr13-32930715-GC-G.
Other names: c.7588delC (NM_000059.3); short protein forms Q2530fs.
Identifiers: ClinVar variation 182320 (VCV000182320.10), dbSNP rs730881613, ClinGen allele CA025164.